The following is an entry in ClinVar:

NM_145290.4(ADGRA3):c.208C>T (p.Leu70Phe)

Gene: ADGRA3 (adhesion G protein-coupled receptor A3; minus strand). Cytogenetic location: 4p15.2.
Variant type: single nucleotide variant.
Coding change: c.208C>T on transcript NM_145290.4 (MANE Select); coding-DNA position 208, C replaced by T.
Protein change: p.Leu70Phe; replaces leucine 70 with phenylalanine.
Molecular consequence: missense variant.
Genome position (GRCh38, 1-based): chr4:22,515,577, G>A on the plus strand (C>T on the coding strand, the complement: ADGRA3 is on the minus strand). VCF-style: chr4-22515577-G-A. GRCh37 (hg19) VCF-style: chr4-22517200-G-A.
Other names: short protein forms L70F.
Identifiers: ClinVar variation 3647357 (VCV003647357.2).
Genomic context (GRCh38, chr4:22,515,577, plus strand): 5'-GAGATACTCACAGGGTGACCGTGCGGTTGGGCAGAGTATCTGGGGGCAGGACCTGCGCGA[G>A]TTCCAGGCTGCTGCACACCACCTTGCCCTCGGCGGCGCCCGCCGCCCTGCCAGCCCCTCG-3'
Protein context (NP_660333.2, residues 60-80): EGKVVCSSLE[Leu70Phe]AQVLPPDTLP

ClinVar aggregate classification (germline): Uncertain significance (1 of 4 stars; one submission).

gnomAD v4.1: 1 of 1,602,422 alleles (0.000062%); highest among the groups gnomAD compares: African/African-American, 0.0014%; no homozygotes.

Submission:

Labcorp Genetics (formerly Invitae), Labcorp
Classification: Uncertain significance. Last evaluated: 2025-06-12. Review status: criteria provided, single submitter. Criteria: Invitae Variant Classification Sherloc (09022015). Collection method: clinical testing. Allele origin: germline.
Comment: This sequence change replaces leucine, which is neutral and non-polar, with phenylalanine, which is neutral and non-polar, at codon 70 of the ADGRA3 protein (p.Leu70Phe). The frequency data for this variant in the population databases is considered unreliable, as metrics indicate poor data quality at this position in the gnomAD database. This variant has not been reported in the literature in individuals affected with ADGRA3-related conditions. ClinVar contains an entry for this variant (Variation ID: 3647357). An algorithm developed to predict the effect of missense changes on protein structure and function (PolyPhen-2) suggests that this variant is likely to be tolerated. In summary, the available evidence is currently insufficient to determine the role of this variant in disease. Therefore, it has been classified as a Variant of Uncertain Significance.